The following is an entry in ClinVar:

NM_006591.3(POLD3):c.1176C>T (p.Tyr392=)

Gene: POLD3 (DNA polymerase delta 3, accessory subunit; plus strand). Cytogenetic location: 11q13.4.
Variant type: single nucleotide variant.
Coding change: c.1176C>T on transcript NM_006591.3 (MANE Select); coding-DNA position 1176, C replaced by T.
Protein change: p.Tyr392=; no amino-acid change (tyrosine 392 retained).
Molecular consequence: synonymous variant. On other transcripts: non-coding transcript variant (2).
Genome position (GRCh38, 1-based): chr11:74,636,253, C>T. VCF-style: chr11-74636253-C-T. GRCh37 (hg19) VCF-style: chr11-74347298-C-T.
Other names: c.1059C>T, p.Tyr353= (NM_001363597.2).
Identifiers: ClinVar variation 4981210 (VCV004981210.1).
Genomic context (GRCh38, chr11:74,636,253, plus strand): 5'-TTAGAGCTCAAGTGGAGAAAACAAAAGAAAACGAAAACGCGTACTAAAATCTAAAACTTA[C>T]CTGGATGGGGAAGGCTGCATAGGTAAGACAAATATTTGGCTCCAAATCCAGAGATAGAAT-3'
Protein context (NP_006582.1, residues 382-402): KRKRVLKSKT[Tyr392=]LDGEGCIVTE

ClinVar aggregate classification (germline): Benign (1 of 4 stars; one submission).

Conditions:
POLD3-related disorder. Also called: POLD3-related condition.

Submission:

PreventionGenetics, part of Exact Sciences
Classification: Benign for POLD3-related condition. Last evaluated: 2025-03-14. Review status: criteria provided, single submitter. Criteria: ACMG Guidelines, 2015. Collection method: clinical testing. Allele origin: germline.
Comment: This variant is classified as benign based on ACMG/AMP sequence variant interpretation guidelines (Richards et al. 2015 PMID: 25741868, with internal and published modifications).